The following is an entry in ClinVar:

NM_001377.3(DYNC2H1):c.3170G>A (p.Arg1057His)

Gene: DYNC2H1 (dynein cytoplasmic 2 heavy chain 1; plus strand). Cytogenetic location: 11q22.3.
Variant type: single nucleotide variant.
Coding change: c.3170G>A on transcript NM_001377.3 (MANE Select); coding-DNA position 3170, G replaced by A.
Protein change: p.Arg1057His; replaces arginine 1057 with histidine.
Molecular consequence: missense variant.
Genome position (GRCh38, 1-based): chr11:103,153,376, G>A. VCF-style: chr11-103153376-G-A. GRCh37 (hg19) VCF-style: chr11-103024105-G-A.
Other names: p.Arg1057His; c.3170G>A, p.Arg1057His (NM_001080463.2); short protein forms R1057H.
Identifiers: ClinVar variation 281379 (VCV000281379.25), dbSNP rs191381310, ClinGen allele CA6253271.

ClinVar aggregate classification (germline): Conflicting classifications of pathogenicity. Review status: criteria provided, conflicting classifications (1 of 4 stars). 9 submissions from 9 submitters: Uncertain significance (5); Likely benign (2). 2 of the submissions do not count toward it. Last evaluated 2026-01-28.

Conditions:
Jeune thoracic dystrophy. Also called: Short-rib thoracic dysplasia; Jeune syndrome; Infantile thoracic dystrophy; Thoracic pelvic phalangeal dystrophy; Jeune's syndrome; Chondroectodermal dysplasia-like syndrome. Identifiers: Orphanet 474, MedGen C0265275, MONDO:0018770.
Asphyxiating thoracic dystrophy 3. Also called: Saldino-Noonan Syndrome; SHORT-RIB THORACIC DYSPLASIA 3 WITH OR WITHOUT POLYDACTYLY; POLYDACTYLY WITH NEONATAL CHONDRODYSTROPHY, TYPE I; SHORT-RIB THORACIC DYSPLASIA 3/6 WITH POLYDACTYLY, DIGENIC; Short rib polydactyly syndrome 2B. Identifiers: Orphanet 474, Orphanet 93269, Orphanet 93270, Orphanet 93271, MedGen C0036069, MONDO:0013127, OMIM 613091.

Allele frequency attached by ClinVar (database versions not stated): ESP Exome Variant Server 0.00043; TOPMed 0.00090; 1000 Genomes Project 0.00140; 1000 Genomes Project 30x 0.00187; gnomAD 0.00068 and 0.00069.
gnomAD v4.1: 1,371 of 1,550,724 alleles (0.088%); highest among the groups gnomAD compares: Admixed American, 0.14%; 1 homozygote.

Submissions (9):

Labcorp Genetics (formerly Invitae), Labcorp
Classification: Likely benign for Jeune thoracic dystrophy. Last evaluated: 2026-01-28. Review status: criteria provided, single submitter. Criteria: Invitae Variant Classification Sherloc (09022015). Collection method: clinical testing. Allele origin: germline.

Mayo Clinic Laboratories, Mayo Clinic
Classification: Uncertain significance. Last evaluated: 2025-01-02. Review status: criteria provided, single submitter. Criteria: ACMG Guidelines, 2015. Collection method: clinical testing. Allele origin: germline. Observed: 1 variant allele.
Comment: BP4

Blueprint Genetics
Classification: Likely benign. Last evaluated: 2024-11-21. Review status: criteria provided, single submitter. Criteria: ACMG Guidelines, 2015. Collection method: clinical testing. Allele origin: germline.

GeneDx
Classification: Uncertain significance. Last evaluated: 2023-10-05. Review status: criteria provided, single submitter. Criteria: GeneDx Variant Classification Process June 2021. Collection method: clinical testing. Allele origin: germline. Affected: yes.
Comment: In silico analysis supports that this missense variant has a deleterious effect on protein structure/function; Has not been previously published as pathogenic or benign to our knowledge

ARUP Laboratories, Molecular Genetics and Genomics, ARUP Laboratories
Classification: Uncertain significance for Asphyxiating thoracic dystrophy 3. Last evaluated: 2023-09-18. Review status: criteria provided, single submitter. Criteria: ARUP Molecular Germline Variant Investigation Process 2024. Collection method: clinical testing. Allele origin: germline.
Comment: The DYNC2H1 c.3170G>A; p.Arg1057His variant (rs191381310), to our knowledge, is not reported in the medical literature but is reported in ClinVar (Variation ID: 281379). This variant is found in the general population with an overall allele frequency of 0.05% (99/189,496 alleles) in the Genome Aggregation Database. Computational analyses predict that this variant is neutral (REVEL: 0.126). Due to limited information, the clinical significance of this variant is uncertain at this time.

Illumina Laboratory Services, Illumina
Classification: Uncertain significance for Asphyxiating thoracic dystrophy 3. Last evaluated: 2018-01-12. Review status: criteria provided, single submitter. Criteria: ICSL Variant Classification Criteria 13 December 2019. Collection method: clinical testing. Allele origin: germline.

Eurofins Ntd Llc (ga)
Classification: Uncertain significance. Last evaluated: 2015-06-23. Review status: criteria provided, single submitter. Criteria: EGL Classification Definitions 2015. Collection method: clinical testing. Allele origin: germline. Observed: 1 variant allele, 1 heterozygote.

Clinical Genetics DNA and cytogenetics Diagnostics Lab, Erasmus MC, Erasmus Medical Center
Classification: Uncertain significance. Review status: no assertion criteria provided. Collection method: clinical testing. Allele origin: germline. Affected: yes. Study: VKGL Data-share Consensus. Not counted in ClinVar's aggregate classification.

Laboratory of Diagnostic Genome Analysis, Leiden University Medical Center (LUMC)
Classification: Uncertain significance. Review status: no assertion criteria provided. Collection method: clinical testing. Allele origin: germline. Affected: yes. Study: VKGL Data-share Consensus. Not counted in ClinVar's aggregate classification.